The following is an entry in ClinVar:

NM_016239.4(MYO15A):c.6301del (p.Leu2101fs)

Gene: MYO15A (myosin XVA; plus strand). Cytogenetic location: 17p11.2.
Variant type: Deletion.
Coding change: c.6301del on transcript NM_016239.4 (MANE Select); coding-DNA position 6301, one base deleted (C; older notation c.6301delC).
Protein change: p.Leu2101fs; shifts the reading frame from leucine 2101.
Molecular consequence: frameshift variant.
Genome position (GRCh38, 1-based): chr17:18,145,899, C deleted; the last of 2 consecutive C bases (chr17:18,145,898-18,145,899); deleting either gives the same sequence. VCF-style (leftmost placement, unchanged base first): chr17-18145897-AC-A. GRCh37 (hg19) VCF-style: chr17-18049211-AC-A.
Other names: short protein forms L2101fs.
Identifiers: ClinVar variation 3601370 (VCV003601370.1).
Genomic context (GRCh38, chr17:18,145,897, plus strand): 5'-TCTGAGATGCCCAGGAGACTCTGTTCGTGGCCCAGATCCTGCGCTTCATGGGCGACCCCC[AC>A]CTGCATGGTGCCCGGGAGAACATCTTCGGGAACTACATCGTGCAGAAGGGGCTGGCGGTG-3'

ClinVar aggregate classification (germline): Pathogenic (1 of 4 stars; one submission).

Conditions:
Autosomal recessive nonsyndromic hearing loss 3. Also called: NEUROSENSORY NONSYNDROMIC RECESSIVE DEAFNESS 3. Identifiers: Orphanet 90636, MedGen C1838263, MONDO:0010860, OMIM 600316.

Submission:

Institute of Rare Diseases, West China Hospital, Sichuan University
Classification: Pathogenic for Autosomal recessive nonsyndromic hearing loss 3. Last evaluated: 2025-01-09. Review status: criteria provided, single submitter. Criteria: ClinGen HL ACMG Specifications v1. Collection method: research. Allele origin: germline. Affected: yes.
Comment: PVS1;PM3;PM2_Supporting